The following is an entry in ClinVar:

ClinVar aggregate classification (germline): Uncertain significance. Review status: criteria provided, multiple submitters, no conflicts (2 of 4 stars). 2 submissions from 2 submitters: Uncertain significance (2). Last evaluated 2024-04-24.

Allele frequency attached by ClinVar (database versions not stated): gnomAD exomes 0.00001; TOPMed 0.00001; ExAC 0.00002; gnomAD 0.00001.
gnomAD v4.1: 14 of 1,614,150 alleles (0.00087%); highest among the groups gnomAD compares: Non-Finnish European, 0.0012%; no homozygotes.

Submissions (2):

Labcorp Genetics (formerly Invitae), Labcorp
Classification: Uncertain significance. Last evaluated: 2024-04-24. Review status: criteria provided, single submitter. Criteria: Invitae Variant Classification Sherloc (09022015). Collection method: clinical testing. Allele origin: germline.
Comment: This sequence change replaces lysine, which is basic and polar, with arginine, which is basic and polar, at codon 91 of the PDZD7 protein (p.Lys91Arg). This variant is present in population databases (rs768504914, gnomAD 0.003%). This variant has not been reported in the literature in individuals affected with PDZD7-related conditions. ClinVar contains an entry for this variant (Variation ID: 1349184). Advanced modeling of protein sequence and biophysical properties (such as structural, functional, and spatial information, amino acid conservation, physicochemical variation, residue mobility, and thermodynamic stability) performed at Invitae indicates that this missense variant is not expected to disrupt PDZD7 protein function with a negative predictive value of 80%. In summary, the available evidence is currently insufficient to determine the role of this variant in disease. Therefore, it has been classified as a Variant of Uncertain Significance.

Blueprint Genetics
Classification: Uncertain significance. Last evaluated: 2022-08-22. Review status: criteria provided, single submitter. Criteria: ACMG Guidelines, 2015. Collection method: clinical testing. Allele origin: germline.

NM_001195263.2(PDZD7):c.272A>G (p.Lys91Arg)

Gene: PDZD7 (PDZ domain containing 7; minus strand). Cytogenetic location: 10q24.31.
Variant type: single nucleotide variant.
Coding change: c.272A>G on transcript NM_001195263.2 (MANE Select); coding-DNA position 272, A replaced by G.
Protein change: p.Lys91Arg; replaces lysine 91 with arginine.
Molecular consequence: missense variant.
Genome position (GRCh38, 1-based): chr10:101,024,023, T>C on the plus strand (A>G on the coding strand, the complement: PDZD7 is on the minus strand). VCF-style: chr10-101024023-T-C. GRCh37 (hg19) VCF-style: chr10-102783780-T-C.
Other names: c.272A>G, p.Lys91Arg (NM_001351044.2, NM_024895.5); short protein forms K91R.
Identifiers: ClinVar variation 1349184 (VCV001349184.5), dbSNP rs768504914, ClinGen allele CA5654461.